The following is an entry in ClinVar:

ClinVar aggregate classification (germline): Uncertain significance (1 of 4 stars; one submission).

Conditions:
Tumor predisposition syndrome 3 (TPDS3). Also called: Melanoma, cutaneous malignant, susceptibility to, 10; Glioma susceptibility 9; LONG TELOMERE SYNDROME, POT1-RELATED; POT1 Tumor Predisposition. Identifiers: Orphanet 618, MedGen C4014476, MONDO:0014368, OMIM 615848.

Submission:

Labcorp Genetics (formerly Invitae), Labcorp
Classification: Uncertain significance for Tumor predisposition syndrome 3. Last evaluated: 2025-09-09. Review status: criteria provided, single submitter. Criteria: Invitae Variant Classification Sherloc (09022015). Collection method: clinical testing. Allele origin: germline.
Comment: This sequence change replaces leucine, which is neutral and non-polar, with tryptophan, which is neutral and slightly polar, at codon 110 of the POT1 protein (p.Leu110Trp). This variant is not present in population databases (gnomAD no frequency). This variant has not been reported in the literature in individuals affected with POT1-related conditions. Invitae Evidence Modeling of protein sequence and biophysical properties (such as structural, functional, and spatial information, amino acid conservation, physicochemical variation, residue mobility, and thermodynamic stability) indicates that this missense variant is not expected to disrupt POT1 protein function with a negative predictive value of 80%. In summary, the available evidence is currently insufficient to determine the role of this variant in disease. Therefore, it has been classified as a Variant of Uncertain Significance.

NM_015450.3(POT1):c.329T>G (p.Leu110Trp)

Gene: POT1 (protection of telomeres 1; minus strand). Cytogenetic location: 7q31.33.
Variant type: single nucleotide variant.
Coding change: c.329T>G on transcript NM_015450.3 (MANE Select); coding-DNA position 329, T replaced by G.
Protein change: p.Leu110Trp; replaces leucine 110 with tryptophan.
Molecular consequence: missense variant. On other transcripts: 5 prime UTR variant (1), non-coding transcript variant (3).
Genome position (GRCh38, 1-based): chr7:124,863,567, A>C on the plus strand (T>G on the coding strand, the complement: POT1 is on the minus strand). VCF-style: chr7-124863567-A-C. GRCh37 (hg19) VCF-style: chr7-124503621-A-C.
Other names: c.-65T>G (NM_001042594.2); short protein forms L110W.
Identifiers: ClinVar variation 4716631 (VCV004716631.1).
Genomic context (GRCh38, chr7:124,863,567, plus strand): 5'-TGGTCCTCAGTAGTGAAGTTAAAATACTTGCTTGAAGTGCGAGGTATGATAGGGGCTCCC[A>C]AAGTTCCCTCAAACGTCAAAGATGCAAAGCCAGAGCTGGTGATACCCTGAGTCTCCTTTT-3'
Protein context (NP_056265.2, residues 100-120): GFASLTFEGT[Leu110Trp]GAPIIPRTSS